The following is an entry in ClinVar:

ClinVar aggregate classification (germline): Uncertain significance (1 of 4 stars; one submission).

Conditions:
Hereditary spastic paraplegia 49 (HSAN9). Also called: Spastic paraplegia 49, autosomal recessive; TECPR2-Related Hereditary Sensory and Autonomic Neuropathy with Intellectual Disability; NEUROPATHY, HEREDITARY SENSORY AND AUTONOMIC, TYPE IX, WITH DEVELOPMENTAL DELAY. Identifiers: Orphanet 320385, MedGen C5190860, MONDO:0014016, OMIM 615031.

Allele frequency attached by ClinVar (database versions not stated): gnomAD exomes below 0.00001 and 0.00001; TOPMed below 0.00001; ExAC 0.00001; gnomAD 0.00001.
gnomAD v4.1: 6 of 1,613,750 alleles (0.00037%); highest among the groups gnomAD compares: Non-Finnish European, 0.00051%; no homozygotes.

Submission:

Labcorp Genetics (formerly Invitae), Labcorp
Classification: Uncertain significance for Hereditary spastic paraplegia 49. Last evaluated: 2021-10-08. Review status: criteria provided, single submitter. Criteria: Invitae Variant Classification Sherloc (09022015). Collection method: clinical testing. Allele origin: germline.
Comment: In summary, the available evidence is currently insufficient to determine the role of this variant in disease. Therefore, it has been classified as a Variant of Uncertain Significance. Algorithms developed to predict the effect of missense changes on protein structure and function are either unavailable or do not agree on the potential impact of this missense change (SIFT: "Deleterious"; PolyPhen-2: "Possibly Damaging"; Align-GVGD: "Class C0"). This variant has not been reported in the literature in individuals affected with TECPR2-related conditions. This variant is present in population databases (rs750718382, ExAC 0.002%). This sequence change replaces leucine with serine at codon 1269 of the TECPR2 protein (p.Leu1269Ser). The leucine residue is moderately conserved and there is a large physicochemical difference between leucine and serine.

NM_014844.5(TECPR2):c.3806T>C (p.Leu1269Ser)

Gene: TECPR2 (tectonin beta-propeller repeat containing 2; plus strand). Cytogenetic location: 14q32.31.
Variant type: single nucleotide variant.
Coding change: c.3806T>C on transcript NM_014844.5 (MANE Select); coding-DNA position 3806, T replaced by C.
Protein change: p.Leu1269Ser; replaces leucine 1269 with serine.
Molecular consequence: missense variant.
Genome position (GRCh38, 1-based): chr14:102,496,995, T>C. VCF-style: chr14-102496995-T-C. GRCh37 (hg19) VCF-style: chr14-102963332-T-C.
Other names: short protein forms L1269S.
Identifiers: ClinVar variation 1480142 (VCV001480142.6), dbSNP rs750718382, ClinGen allele CA7358361.